The following is an entry in ClinVar:

ClinVar aggregate classification (germline): Likely pathogenic. Review status: criteria provided, multiple submitters, no conflicts (2 of 4 stars). 3 submissions from 3 submitters: Likely pathogenic (3). Last evaluated 2025-04-24.

Conditions:
NPHP3-related disorder. Also called: NPHP3-related condition; NPHP3-related disorders. Identifiers: MedGen CN379163.
Nephronophthisis 3 (NPHP3). Also called: Adolescent nephronophthisis. Identifiers: Orphanet 655, MedGen C1858392, MONDO:0011456, OMIM 604387.
NPHP3-related Meckel-like syndrome. Also called: Meckel syndrome type 7; GOLDSTON SYNDROME. Identifiers: Orphanet 3032, MedGen C2673885, MONDO:0009966, OMIM 267010.
Renal-hepatic-pancreatic dysplasia 1 (RHPD1). Identifiers: MedGen C3715199, MONDO:0008833, OMIM 208540.

gnomAD v4.1: 4 of 1,613,954 alleles (0.00025%); highest among the groups gnomAD compares: Non-Finnish European, 0.00034%; no homozygotes.

Submissions (3):

PreventionGenetics, part of Exact Sciences
Classification: Likely pathogenic for NPHP3-related condition. Last evaluated: 2025-04-24. Review status: criteria provided, single submitter. Criteria: ACMG Guidelines, 2015. Collection method: clinical testing. Allele origin: germline.
Comment: The NPHP3 c.823+1G>T variant is predicted to disrupt the GT donor site and interfere with normal splicing. This variant was reported in a carrier study for autosomal recessive retinal disease (Table S3 in Hanany et al. 2020. PubMed ID: 31964843). This variant is reported in 0.00088% of alleles in individuals of European (Non-Finnish) descent in gnomAD. Variants that disrupt the consensus splice donor site in NPHP3 are expected to be pathogenic. This variant is interpreted as likely pathogenic.

Fulgent Genetics
Classification: Likely pathogenic for Renal-hepatic-pancreatic dysplasia 1; NPHP3-related Meckel-like syndrome; Nephronophthisis 3. Last evaluated: 2024-04-13. Review status: criteria provided, single submitter. Criteria: ACMG Guidelines, 2015. Collection method: clinical testing. Allele origin: germline.

Blueprint Genetics
Classification: Likely pathogenic for NPHP3-related disorders. Last evaluated: 2021-07-12. Review status: criteria provided, single submitter. Criteria: ACMG Guidelines, 2015. Collection method: clinical testing. Allele origin: germline. Affected: yes. Observed: 1 variant allele.

NM_153240.5(NPHP3):c.823+1G>T

Genes: NPHP3 (nephrocystin 3; minus strand), NPHP3-ACAD11 (NPHP3-ACAD11 readthrough (NMD candidate); minus strand). Cytogenetic location: 3q22.1.
Variant type: single nucleotide variant.
Coding change: c.823+1G>T on transcript NM_153240.5 (MANE Select); the canonical splice donor site of the intron after coding-DNA position 823, G replaced by T.
Molecular consequence: splice donor variant.
Genome position (GRCh38, 1-based): chr3:132,716,756, C>A on the plus strand (G>T on the coding strand, the complement: NPHP3 is on the minus strand). VCF-style: chr3-132716756-C-A. GRCh37 (hg19) VCF-style: chr3-132435600-C-A.
Other names: c.823+1G>T (NM_153240.4).
Identifiers: ClinVar variation 3588571 (VCV003588571.3).
Genomic context (GRCh38, chr3:132,716,756, plus strand): 5'-GATTATAAAACATGAACAGTCACTACCACTAGGCAAGTAATTGACAAACAGCATGTATTA[C>A]CTCTATTAACATTTGCAAAGGGTCCTTCCACATCTATAGAACTATGGGCAAACTCAGGGC-3'